The following is an entry in ClinVar:

NM_000552.5(VWF):c.7212C>G (p.Ser2404Arg)

Gene: VWF (von Willebrand factor; minus strand). Cytogenetic location: 12p13.31.
Variant type: single nucleotide variant.
Coding change: c.7212C>G on transcript NM_000552.5 (MANE Select); coding-DNA position 7212, C replaced by G.
Protein change: p.Ser2404Arg; replaces serine 2404 with arginine.
Molecular consequence: missense variant.
Genome position (GRCh38, 1-based): chr12:5,981,861, G>C on the plus strand (C>G on the coding strand, the complement: VWF is on the minus strand). VCF-style: chr12-5981861-G-C. GRCh37 (hg19) VCF-style: chr12-6091027-G-C.
Other names: p.Ser2404Arg; c.7212C>G (NM_000552.4); short protein forms S2404R.
Identifiers: ClinVar variation 2536389 (VCV002536389.3), dbSNP rs759137155, ClinGen allele CA6401742.

ClinVar aggregate classification (germline): Uncertain significance. Review status: criteria provided, multiple submitters, no conflicts (2 of 4 stars). 2 submissions from 2 submitters: Uncertain significance (2). Last evaluated 2025-11-14.

Conditions:
Inborn genetic diseases. Identifiers: MedGen C0950123, MeSH D030342.

Allele frequency attached by ClinVar (database versions not stated): ExAC 0.00001; gnomAD exomes 0.00001.
gnomAD v4.1: 7 of 1,614,022 alleles (0.00043%); highest among the groups gnomAD compares: Admixed American, 0.0017%; no homozygotes.

Submissions (2):

Mayo Clinic Laboratories, Mayo Clinic
Classification: Uncertain significance. Last evaluated: 2025-11-14. Review status: criteria provided, single submitter. Criteria: ACMG Guidelines, 2015. Collection method: clinical testing. Allele origin: germline. Observed: 1 variant allele.
Comment: BP4_moderate

Ambry Genetics
Classification: Uncertain significance for Inborn genetic diseases. Last evaluated: 2023-04-12. Review status: criteria provided, single submitter. Criteria: Ambry Variant Classification Scheme 2023. Collection method: clinical testing. Allele origin: germline.